The following is an entry in ClinVar:

ClinVar aggregate classification (germline): Uncertain significance. Review status: criteria provided, multiple submitters, no conflicts (2 of 4 stars). 3 submissions from 3 submitters: Uncertain significance (3). Last evaluated 2025-07-31.

Conditions:
Inborn genetic diseases. Identifiers: MedGen C0950123, MeSH D030342.
Ullrich congenital muscular dystrophy 2 (UCMD2). Identifiers: Orphanet 75840, MedGen C4225314, MONDO:0014654, OMIM 616470.
Bethlem myopathy 2 (BTHLM2). Identifiers: Orphanet 536516, Orphanet 610, MedGen C4225313, MONDO:0034022, OMIM 616471.

Allele frequency attached by ClinVar (database versions not stated): gnomAD exomes below 0.00001.
gnomAD v4.1: 3 of 1,610,204 alleles (0.00019%); highest among the groups gnomAD compares: Non-Finnish European, 0.00017%; no homozygotes.

Submissions (3):

Ambry Genetics
Classification: Uncertain significance for Inborn genetic diseases. Last evaluated: 2025-07-31. Review status: criteria provided, single submitter. Criteria: Ambry Variant Classification Scheme 2023. Collection method: clinical testing. Allele origin: germline.

Labcorp Genetics (formerly Invitae), Labcorp
Classification: Uncertain significance for Bethlem myopathy 2; Ullrich congenital muscular dystrophy 2. Last evaluated: 2023-02-27. Review status: criteria provided, single submitter. Criteria: Invitae Variant Classification Sherloc (09022015). Collection method: clinical testing. Allele origin: germline.
Comment: In summary, the available evidence is currently insufficient to determine the role of this variant in disease. Therefore, it has been classified as a Variant of Uncertain Significance. Advanced modeling of protein sequence and biophysical properties (such as structural, functional, and spatial information, amino acid conservation, physicochemical variation, residue mobility, and thermodynamic stability) performed at Invitae indicates that this missense variant is not expected to disrupt COL12A1 protein function. ClinVar contains an entry for this variant (Variation ID: 1353639). This variant has not been reported in the literature in individuals affected with COL12A1-related conditions. This variant is not present in population databases (gnomAD no frequency). This sequence change replaces aspartic acid, which is acidic and polar, with glycine, which is neutral and non-polar, at codon 1829 of the COL12A1 protein (p.Asp1829Gly).

GeneDx
Classification: Uncertain significance. Last evaluated: 2022-04-18. Review status: criteria provided, single submitter. Criteria: GeneDx Variant Classification Process June 2021. Collection method: clinical testing. Allele origin: germline. Affected: yes.
Comment: Has not been previously published as pathogenic or benign to our knowledge; Not observed at significant frequency in large population cohorts (gnomAD); In silico analysis supports that this missense variant does not alter protein structure/function

NM_004370.6(COL12A1):c.5486A>G (p.Asp1829Gly)

Gene: COL12A1 (collagen type XII alpha 1 chain; minus strand). Cytogenetic location: 6q13.
Variant type: single nucleotide variant.
Coding change: c.5486A>G on transcript NM_004370.6 (MANE Select); coding-DNA position 5486, A replaced by G.
Protein change: p.Asp1829Gly; replaces aspartic acid 1829 with glycine.
Molecular consequence: missense variant.
Genome position (GRCh38, 1-based): chr6:75,134,764, T>C on the plus strand (A>G on the coding strand, the complement: COL12A1 is on the minus strand). VCF-style: chr6-75134764-T-C. GRCh37 (hg19) VCF-style: chr6-75844480-T-C.
Other names: c.1994A>G, p.Asp665Gly (NM_080645.3); short protein forms D1829G, D665G.
Identifiers: ClinVar variation 1353639 (VCV001353639.10), dbSNP rs1419443025, ClinGen allele CA364736210.